The following is an entry in ClinVar:

NM_015045.5(WAPL):c.1929C>G (p.Asn643Lys)

Gene: WAPL (WAPL cohesin release factor; minus strand). Cytogenetic location: 10q23.2.
Variant type: single nucleotide variant.
Coding change: c.1929C>G on transcript NM_015045.5 (MANE Select); coding-DNA position 1929, C replaced by G.
Protein change: p.Asn643Lys; replaces asparagine 643 with lysine.
Molecular consequence: missense variant.
Genome position (GRCh38, 1-based): chr10:86,472,309, G>C on the plus strand (C>G on the coding strand, the complement: WAPL is on the minus strand). VCF-style: chr10-86472309-G-C. GRCh37 (hg19) VCF-style: chr10-88232066-G-C.
Other names: c.1911C>G, p.Asn637Lys (NM_001318328.2); short protein forms N637K, N643K.
Identifiers: ClinVar variation 4891364 (VCV004891364.1).
Genomic context (GRCh38, chr10:86,472,309, plus strand): 5'-ACTTAACAAGTACTCAATGTCATCAGTGAACTCTTGATTTTCACCAAATTCTACAACATC[G>C]TTGAAGTGCTTCACGTGCTGAACAACAGTATATAACTGCCAAGAAAAAAAAAGTTCACCC-3'
Protein context (NP_055860.1, residues 633-653): YTVVQHVKHF[Asn643Lys]DVVEFGENQE

ClinVar aggregate classification (germline): Uncertain significance (1 of 4 stars; one submission).

Submission:

GeneDx
Classification: Uncertain significance. Last evaluated: 2026-02-05. Review status: criteria provided, single submitter. Criteria: GeneDx Variant Classification Process June 2021. Collection method: clinical testing. Allele origin: germline.
Comment: Not observed at significant frequency in large population cohorts (gnomAD); In silico analysis supports that this missense variant has a deleterious effect on protein structure/function; Has not been previously published as pathogenic or benign to our knowledge; Variants in candidate genes are classified as variants of uncertain significance in accordance with ACMG guidelines (PMID: 25741868)